The following is an entry in ClinVar:

NM_025237.3(SOST):c.184G>A (p.Gly62Arg)

Gene: SOST (sclerostin; minus strand). Cytogenetic location: 17q21.31.
Variant type: single nucleotide variant.
Coding change: c.184G>A on transcript NM_025237.3 (MANE Select); coding-DNA position 184, G replaced by A.
Protein change: p.Gly62Arg; replaces glycine 62 with arginine.
Molecular consequence: missense variant.
Genome position (GRCh38, 1-based): chr17:43,758,558, C>T on the plus strand (G>A on the coding strand, the complement: SOST is on the minus strand). VCF-style: chr17-43758558-C-T. GRCh37 (hg19) VCF-style: chr17-41835926-C-T.
Other names: c.184G>A (NM_025237.2); short protein forms G62R.
Identifiers: ClinVar variation 1424994 (VCV001424994.10), dbSNP rs372515234, ClinGen allele CA8592851.

ClinVar aggregate classification (germline): Uncertain significance. Review status: criteria provided, multiple submitters, no conflicts (2 of 4 stars). 2 submissions from 2 submitters: Uncertain significance (2). Last evaluated 2025-06-19.

Conditions:
Inborn genetic diseases. Identifiers: MedGen C0950123, MeSH D030342.

Allele frequency attached by ClinVar (database versions not stated): gnomAD exomes 0.00002; ExAC 0.00003; gnomAD 0.00003 and 0.00004; TOPMed 0.00004; ESP Exome Variant Server 0.00008.

Submissions (2):

Ambry Genetics
Classification: Uncertain significance for Inborn genetic diseases. Last evaluated: 2025-06-19. Review status: criteria provided, single submitter. Criteria: Ambry Variant Classification Scheme 2023. Collection method: clinical testing. Allele origin: germline.

Labcorp Genetics (formerly Invitae), Labcorp
Classification: Uncertain significance. Last evaluated: 2023-08-17. Review status: criteria provided, single submitter. Criteria: Invitae Variant Classification Sherloc (09022015). Collection method: clinical testing. Allele origin: germline.
Comment: This variant is present in population databases (rs372515234, gnomAD 0.005%). This variant has not been reported in the literature in individuals affected with SOST-related conditions. ClinVar contains an entry for this variant (Variation ID: 1424994). An algorithm developed to predict the effect of missense changes on protein structure and function (PolyPhen-2) suggests that this variant is likely to be disruptive. In summary, the available evidence is currently insufficient to determine the role of this variant in disease. Therefore, it has been classified as a Variant of Uncertain Significance. This sequence change replaces glycine, which is neutral and non-polar, with arginine, which is basic and polar, at codon 62 of the SOST protein (p.Gly62Arg).